The following is an entry in ClinVar:

NM_000334.4(SCN4A):c.2804T>C (p.Met935Thr)

Genes: GH-LCR (growth hormone locus control region; plus strand), SCN4A (sodium voltage-gated channel alpha subunit 4; minus strand). Cytogenetic location: 17q23.3.
Variant type: single nucleotide variant.
Coding change: c.2804T>C on transcript NM_000334.4 (MANE Select); coding-DNA position 2804, T replaced by C.
Protein change: p.Met935Thr; replaces methionine 935 with threonine.
Molecular consequence: missense variant.
Genome position (GRCh38, 1-based): chr17:63,951,473, A>G on the plus strand (T>C on the coding strand, the complement: SCN4A is on the minus strand). VCF-style: chr17-63951473-A-G. GRCh37 (hg19) VCF-style: chr17-62028833-A-G.
Other names: short protein forms M935T.
Identifiers: ClinVar variation 1309301 (VCV001309301.2), dbSNP rs778178410, ClinGen allele CA400624783.

ClinVar aggregate classification (germline): Uncertain significance (1 of 4 stars; one submission).

Submission:

GeneDx
Classification: Uncertain significance. Last evaluated: 2019-10-16. Review status: criteria provided, single submitter. Criteria: GeneDx Variant Classification Process June 2021. Collection method: clinical testing. Allele origin: germline. Affected: yes.
Comment: Has not been previously published as pathogenic or benign to our knowledge; Not observed in large population cohorts (Lek et al., 2016); In silico analysis, which includes protein predictors and evolutionary conservation, supports that this variant does not alter protein structure/function